The following is an entry in ClinVar:

ClinVar aggregate classification (germline): Pathogenic. Review status: criteria provided, multiple submitters, no conflicts (2 of 4 stars). 4 submissions from 4 submitters: Pathogenic (4). Last evaluated 2025-09-03.

Conditions:
Miyoshi muscular dystrophy 1 (MMD1). Identifiers: Orphanet 45448, MedGen C4551973, MONDO:0024545, OMIM 254130.
Autosomal recessive limb-girdle muscular dystrophy type 2B (LGMDR2). Also called: Limb-girdle muscular dystrophy, type 2B; MUSCULAR DYSTROPHY, LIMB-GIRDLE, AUTOSOMAL RECESSIVE 2; Limb-Girdle Muscular Dystrophy Type 2B (LGMD2B); MUSCULAR DYSTROPHY, LIMB-GIRDLE, TYPE 3. Identifiers: Orphanet 268, MedGen C1850889, MONDO:0009676, OMIM 253601.
Neuromuscular disease caused by qualitative or quantitative defects of dysferlin. Also called: Qualitative or quantitative defects of dysferlin; Dysferlinopathy. Identifiers: Orphanet 207073, MedGen C2931687, MONDO:0016145.

Submissions (4):

Natera, Inc.
Classification: Pathogenic for Limb-girdle muscular dystrophy type 2B. Last evaluated: 2025-09-03. Review status: criteria provided, single submitter. Criteria: Natera Variant Classification Schema (03/2026). Collection method: clinical testing. Allele origin: germline.
Comment: The c.3059dup variant in DYSF is a frameshift variant predicted to shift the reading frame beginning at codon 1021 and leads to a stop codon 11 codons downstream. This variant is expected to result in nonsense mediated decay, truncation, or a dysfunctional protein product. This variant is rare in the general population with a frequency below the threshold expected for the associated phenotype(s). This variant has been observed in one or more individuals affected with the associated recessive disease, as either homozygous or compound heterozygous with a second variant (PMID: 23406536, 24803842, 33927379). Given the available evidence, this variant is classified as Pathogenic.

Labcorp Genetics (formerly Invitae), Labcorp
Classification: Pathogenic for Neuromuscular disease caused by qualitative or quantitative defects of dysferlin. Last evaluated: 2025-05-30. Review status: criteria provided, single submitter. Criteria: Invitae Variant Classification Sherloc (09022015). Collection method: clinical testing. Allele origin: germline.
Comment: This sequence change creates a premature translational stop signal (p.Glu1021Glyfs*11) in the DYSF gene. It is expected to result in an absent or disrupted protein product. Loss-of-function variants in DYSF are known to be pathogenic (PMID: 17698709, 20301480). The frequency data for this variant in the population databases is considered unreliable, as metrics indicate poor data quality at this position in the gnomAD database. This premature translational stop signal has been observed in individual(s) with DYSF-related conditions (PMID: 17070050, 23406536, 27666772). ClinVar contains an entry for this variant (Variation ID: 1381552). For these reasons, this variant has been classified as Pathogenic.

GeneDx
Classification: Pathogenic. Last evaluated: 2025-03-31. Review status: criteria provided, single submitter. Criteria: GeneDx Variant Classification Process June 2021. Collection method: clinical testing. Allele origin: germline. Affected: yes.
Comment: Frameshift variant predicted to result in protein truncation or nonsense mediated decay in a gene for which loss of function is a known mechanism of disease; Not observed at significant frequency in large population cohorts (gnomAD); This variant is associated with the following publications: (PMID: 33927379, 23406536, 27666772, 17070050)

Baylor Genetics
Classification: Pathogenic for Miyoshi muscular dystrophy 1. Last evaluated: 2023-12-14. Review status: criteria provided, single submitter. Criteria: ACMG Guidelines, 2015. Collection method: clinical testing. Allele origin: unknown.

Literature cited by the submitters: PubMed 23406536 (cited by Natera, Inc. and Labcorp Genetics (formerly Invitae), Labcorp); PubMed 24803842 (cited by Natera, Inc.); PubMed 33927379 (cited by Natera, Inc.); PubMed 17698709 (cited by Labcorp Genetics (formerly Invitae), Labcorp); PubMed 20301480 (cited by Labcorp Genetics (formerly Invitae), Labcorp); PubMed 17070050 (cited by Labcorp Genetics (formerly Invitae), Labcorp); PubMed 27666772 (cited by Labcorp Genetics (formerly Invitae), Labcorp).

NM_001130987.2(DYSF):c.3113dup (p.Glu1039fs)

Gene: DYSF (dysferlin; plus strand). Cytogenetic location: 2p13.2.
Variant type: Duplication.
Coding change: c.3113dup on transcript NM_001130987.2 (MANE Select); coding-DNA position 3113, one base duplicated (C; older notation c.3113dupC).
Protein change: p.Glu1039fs; shifts the reading frame from glutamic acid 1039.
Molecular consequence: frameshift variant.
Genome position (GRCh38, 1-based): chr2:71,570,626, C duplicated; the last of 6 consecutive C bases (chr2:71,570,621-71,570,626); duplicating any one gives the same sequence. VCF-style (leftmost placement, unchanged base first): chr2-71570620-T-TC. GRCh37 (hg19) VCF-style: chr2-71797750-T-TC.
Other names: c.3152dup, p.Glu1052fs (NM_001130979.2); c.3110dup, p.Glu1038fs (NM_001130980.2, NM_001130981.2); c.3155dup, p.Glu1053fs (NM_001130982.2); c.3062dup, p.Glu1022fs (NM_001130983.2, NM_001130455.2); c.3020dup, p.Glu1008fs (NM_001130984.2, NM_001130986.2); c.3113dup, p.Glu1039fs (NM_001130985.2); c.3059dup, p.Glu1021fs (NM_003494.4, NM_001130978.2); c.3017dup, p.Glu1007fs (NM_001130976.2, NM_001130977.2); and 1 more; short protein forms E1038fs, E1053fs, E1021fs, E1022fs, E1007fs, E1039fs, E1052fs, E1008fs.
Identifiers: ClinVar variation 1381552 (VCV001381552.9), dbSNP rs753711667, ClinGen allele CA1706427.